The following is an entry in ClinVar:

ClinVar aggregate classification (germline): Uncertain significance (1 of 4 stars; one submission).

Submission:

Ambry Genetics
Classification: Uncertain significance. Last evaluated: 2026-02-23. Review status: criteria provided, single submitter. Criteria: Ambry Variant Classification Scheme 2023. Collection method: clinical testing. Allele origin: germline.
Comment: The p.C458S variant (also known as c.1373G>C), located in coding exon 8 of the GALNT12 gene, results from a G to C substitution at nucleotide position 1373. The cysteine at codon 458 is replaced by serine, an amino acid with dissimilar properties. This amino acid position is conserved. In addition, this alteration is predicted to be deleterious by in silico analysis. Based on the available evidence, the clinical significance of this variant remains unclear.

NM_024642.5(GALNT12):c.1373G>C (p.Cys458Ser)

Gene: GALNT12 (polypeptide N-acetylgalactosaminyltransferase 12; plus strand). Cytogenetic location: 9q22.33.
Variant type: single nucleotide variant.
Coding change: c.1373G>C on transcript NM_024642.5 (MANE Select); coding-DNA position 1373, G replaced by C.
Protein change: p.Cys458Ser; replaces cysteine 458 with serine.
Molecular consequence: missense variant.
Genome position (GRCh38, 1-based): chr9:98,844,124, G>C. VCF-style: chr9-98844124-G-C. GRCh37 (hg19) VCF-style: chr9-101606406-G-C.
Other names: short protein forms C458S.
Identifiers: ClinVar variation 4826979 (VCV004826979.1).